The following is an entry in ClinVar:

ClinVar aggregate classification (germline): Uncertain significance (1 of 4 stars; one submission).

Allele frequency attached by ClinVar (database versions not stated): gnomAD exomes below 0.00001; TOPMed below 0.00001; ExAC 0.00002.

Submission:

Labcorp Genetics (formerly Invitae), Labcorp
Classification: Uncertain significance. Last evaluated: 2022-08-21. Review status: criteria provided, single submitter. Criteria: Invitae Variant Classification Sherloc (09022015). Collection method: clinical testing. Allele origin: germline.
Comment: This sequence change replaces aspartic acid, which is acidic and polar, with glycine, which is neutral and non-polar, at codon 517 of the ERBIN protein (p.Asp517Gly). This variant is present in population databases (rs769533046, gnomAD 0.002%). This variant has not been reported in the literature in individuals affected with ERBIN-related conditions. Algorithms developed to predict the effect of missense changes on protein structure and function are either unavailable or do not agree on the potential impact of this missense change (SIFT: "Deleterious"; PolyPhen-2: "Benign"; Align-GVGD: "Class C0"). In summary, the available evidence is currently insufficient to determine the role of this variant in disease. Therefore, it has been classified as a Variant of Uncertain Significance. Algorithms developed to predict the effect of sequence changes on RNA splicing suggest that this variant may create or strengthen a splice site.

NM_001253697.2(ERBIN):c.1550A>G (p.Asp517Gly)

Gene: ERBIN (erbb2 interacting protein; plus strand). Cytogenetic location: 5q12.3.
Variant type: single nucleotide variant.
Coding change: c.1550A>G on transcript NM_001253697.2 (MANE Select); coding-DNA position 1550, A replaced by G.
Protein change: p.Asp517Gly; replaces aspartic acid 517 with glycine.
Molecular consequence: missense variant.
Genome position (GRCh38, 1-based): chr5:66,044,258, A>G. VCF-style: chr5-66044258-A-G. GRCh37 (hg19) VCF-style: chr5-65340086-A-G.
Other names: c.1550A>G, p.Asp517Gly (NM_001006600.3, NM_001253698.2, NM_001253699.2 and 2 more transcripts); short protein forms D517G.
Identifiers: ClinVar variation 1953615 (VCV001953615.5), dbSNP rs769533046, ClinGen allele CA3286277.